The following is an entry in ClinVar:

NM_001130438.3(SPTAN1):c.2838C>G (p.Ile946Met)

Gene: SPTAN1 (spectrin alpha, non-erythrocytic 1; plus strand). Cytogenetic location: 9q34.11.
Variant type: single nucleotide variant.
Coding change: c.2838C>G on transcript NM_001130438.3 (MANE Select); coding-DNA position 2838, C replaced by G.
Protein change: p.Ile946Met; replaces isoleucine 946 with methionine.
Molecular consequence: missense variant.
Genome position (GRCh38, 1-based): chr9:128,587,665, C>G. VCF-style: chr9-128587665-C-G. GRCh37 (hg19) VCF-style: chr9-131349944-C-G.
Other names: c.2838C>G, p.Ile946Met (NM_001195532.2, NM_001363759.2, NM_001363765.2 and 5 more transcripts); c.2874C>G, p.Ile958Met (NM_001375312.2, NM_001375318.1); short protein forms I958M, I946M.
Identifiers: ClinVar variation 842016 (VCV000842016.14), dbSNP rs943636575, ClinGen allele CA200384017.

ClinVar aggregate classification (germline): Uncertain significance. Review status: criteria provided, multiple submitters, no conflicts (2 of 4 stars). 3 submissions from 3 submitters: Uncertain significance (3). Last evaluated 2024-01-07.

Conditions:
Developmental and epileptic encephalopathy, 5 (DEE5). Identifiers: Orphanet 3451, MedGen C3150731, MONDO:0013277, OMIM 613477.
Early-infantile DEE. Also called: Early infantile epileptic encephalopathy with suppression bursts; Ohtahara syndrome; Early infantile epileptic encephalopathy. Identifiers: Orphanet 1934, MedGen C0393706, MONDO:0800491.

Allele frequency attached by ClinVar (database versions not stated): gnomAD exomes below 0.00001; gnomAD 0.00001; TOPMed 0.00003.

Submissions (3):

Labcorp Genetics (formerly Invitae), Labcorp
Classification: Uncertain significance for Early-infantile DEE. Last evaluated: 2024-01-07. Review status: criteria provided, single submitter. Criteria: Invitae Variant Classification Sherloc (09022015). Collection method: clinical testing. Allele origin: germline.
Comment: This sequence change replaces isoleucine, which is neutral and non-polar, with methionine, which is neutral and non-polar, at codon 946 of the SPTAN1 protein (p.Ile946Met). This variant is not present in population databases (gnomAD no frequency). This variant has not been reported in the literature in individuals affected with SPTAN1-related conditions. ClinVar contains an entry for this variant (Variation ID: 842016). Advanced modeling of protein sequence and biophysical properties (such as structural, functional, and spatial information, amino acid conservation, physicochemical variation, residue mobility, and thermodynamic stability) has been performed at Invitae for this missense variant, however the output from this modeling did not meet the statistical confidence thresholds required to predict the impact of this variant on SPTAN1 protein function. In summary, the available evidence is currently insufficient to determine the role of this variant in disease. Therefore, it has been classified as a Variant of Uncertain Significance.

Revvity Omics, Revvity
Classification: Uncertain significance. Last evaluated: 2023-05-19. Review status: criteria provided, single submitter. Criteria: ACMG Guidelines, 2015. Collection method: clinical testing. Allele origin: germline.

Fulgent Genetics
Classification: Uncertain significance for Developmental and epileptic encephalopathy, 5. Last evaluated: 2021-08-04. Review status: criteria provided, single submitter. Criteria: ACMG Guidelines, 2015. Collection method: clinical testing. Allele origin: unknown.